The following is an entry in ClinVar:

ClinVar aggregate classification (germline): Uncertain significance. Review status: criteria provided, multiple submitters, no conflicts (2 of 4 stars). 2 submissions from 2 submitters: Uncertain significance (2). Last evaluated 2026-05-14.

Conditions:
Inborn genetic diseases. Identifiers: MedGen C0950123, MeSH D030342.
Fanconi anemia (FA). Also called: Fanconi's anemia. Identifiers: Orphanet 84, MedGen C0015625, MeSH D005199, MONDO:0019391.

gnomAD v4.1: 2 of 1,614,074 alleles (0.00012%); highest among the groups gnomAD compares: East Asian, 0.0022%; no homozygotes.

Submissions (2):

Ambry Genetics
Classification: Uncertain significance for Inborn genetic diseases. Last evaluated: 2026-05-14. Review status: criteria provided, single submitter. Criteria: Ambry Variant Classification Scheme 2023. Collection method: clinical testing. Allele origin: germline.
Comment: The p.Q940H variant (also known as c.2820A>C), located in coding exon 29 of the FANCA gene, results from an A to C substitution at nucleotide position 2820. The glutamine at codon 940 is replaced by histidine, an amino acid with highly similar properties. This amino acid position is conserved. In addition, this alteration is predicted to be tolerated by in silico analysis. Based on the available evidence, the clinical significance of this variant remains unclear.

Labcorp Genetics (formerly Invitae), Labcorp
Classification: Uncertain significance for Fanconi anemia. Last evaluated: 2022-05-30. Review status: criteria provided, single submitter. Criteria: Invitae Variant Classification Sherloc (09022015). Collection method: clinical testing. Allele origin: germline.
Comment: This sequence change replaces glutamine, which is neutral and polar, with histidine, which is basic and polar, at codon 940 of the FANCA protein (p.Gln940His). This variant is present in population databases (rs776686639, gnomAD 0.006%). This variant has not been reported in the literature in individuals affected with FANCA-related conditions. Advanced modeling of protein sequence and biophysical properties (such as structural, functional, and spatial information, amino acid conservation, physicochemical variation, residue mobility, and thermodynamic stability) performed at Invitae indicates that this missense variant is not expected to disrupt FANCA protein function. In summary, the available evidence is currently insufficient to determine the role of this variant in disease. Therefore, it has been classified as a Variant of Uncertain Significance.

NM_000135.4(FANCA):c.2820A>C (p.Gln940His)

Gene: FANCA (FA complementation group A; minus strand). Cytogenetic location: 16q24.3.
Variant type: single nucleotide variant.
Coding change: c.2820A>C on transcript NM_000135.4 (MANE Select); coding-DNA position 2820, A replaced by C.
Protein change: p.Gln940His; replaces glutamine 940 with histidine.
Molecular consequence: missense variant.
Genome position (GRCh38, 1-based): chr16:89,761,981, T>G on the plus strand (A>C on the coding strand, the complement: FANCA is on the minus strand). VCF-style: chr16-89761981-T-G. GRCh37 (hg19) VCF-style: chr16-89828389-T-G.
Other names: c.2820A>C, p.Gln940His (NM_001286167.3); short protein forms Q940H.
Identifiers: ClinVar variation 2076848 (VCV002076848.2), dbSNP rs776686639, ClinGen allele CA8251493.